The following is an entry in ClinVar:

NM_001363711.2(DUOX2):c.1732G>A (p.Gly578Ser)

Gene: DUOX2 (dual oxidase 2; minus strand). Cytogenetic location: 15q21.1.
Variant type: single nucleotide variant.
Coding change: c.1732G>A on transcript NM_001363711.2 (MANE Select); coding-DNA position 1732, G replaced by A.
Protein change: p.Gly578Ser; replaces glycine 578 with serine.
Molecular consequence: missense variant.
Genome position (GRCh38, 1-based): chr15:45,106,931, C>T on the plus strand (G>A on the coding strand, the complement: DUOX2 is on the minus strand). VCF-style: chr15-45106931-C-T. GRCh37 (hg19) VCF-style: chr15-45399129-C-T.
Other names: c.1732G>A, p.Gly578Ser (NM_014080.5); short protein forms G578S.
Identifiers: ClinVar variation 3718991 (VCV003718991.2).
Genomic context (GRCh38, chr15:45,106,931, plus strand): 5'-AACCAGGGCTGCTGCCTTCAAAGAAGTCAAGCACAGTCAGGGGTGCACACTGGGGCAGGC[C>T]GTCAGTTGTGAGCTGCTTAGGTTGAGGGCAGGGTGCACCTGAGGGAGAGGGCAGGGAAGA-3'
Protein context (NP_001350640.1, residues 568-588): CPQPKQLTTD[Gly578Ser]LPQCAPLTVL

ClinVar aggregate classification (germline): Uncertain significance (1 of 4 stars; one submission).

gnomAD v4.1: 104 of 1,580,186 alleles (0.0066%); highest among the groups gnomAD compares: Non-Finnish European, 0.0083%; no homozygotes.

Submission:

Labcorp Genetics (formerly Invitae), Labcorp
Classification: Uncertain significance. Last evaluated: 2025-10-23. Review status: criteria provided, single submitter. Criteria: Invitae Variant Classification Sherloc (09022015). Collection method: clinical testing. Allele origin: germline.
Comment: This sequence change replaces glycine, which is neutral and non-polar, with serine, which is neutral and polar, at codon 578 of the DUOX2 protein (p.Gly578Ser). This variant is present in population databases (rs200194628, gnomAD 0.008%). This variant has not been reported in the literature in individuals affected with DUOX2-related conditions. ClinVar contains an entry for this variant (Variation ID: 3718991). Invitae Evidence Modeling of protein sequence and biophysical properties (such as structural, functional, and spatial information, amino acid conservation, physicochemical variation, residue mobility, and thermodynamic stability) indicates that this missense variant is not expected to disrupt DUOX2 protein function with a negative predictive value of 80%. In summary, the available evidence is currently insufficient to determine the role of this variant in disease. Therefore, it has been classified as a Variant of Uncertain Significance.